The following is an entry in ClinVar:

ClinVar aggregate classification (germline): Uncertain significance (1 of 4 stars; one submission).

Conditions:
Charcot-Marie-Tooth disease type 2R. Also called: CHARCOT-MARIE-TOOTH DISEASE, AXONAL, AUTOSOMAL RECESSIVE, TYPE 2R; CHARCOT-MARIE-TOOTH NEUROPATHY, TYPE 2R; Charcot-Marie-Tooth disease, axonal, type 2R. Identifiers: Orphanet 397968, MedGen C3809655, MONDO:0014208, OMIM 615490.

Allele frequency attached by ClinVar (database versions not stated): gnomAD exomes below 0.00001 and 0.00001; ExAC 0.00001.
gnomAD v4.1: 16 of 1,614,230 alleles (0.00099%); highest among the groups gnomAD compares: Non-Finnish European, 0.0014%; no homozygotes.

Submission:

Labcorp Genetics (formerly Invitae), Labcorp
Classification: Uncertain significance for Charcot-Marie-Tooth disease type 2R. Last evaluated: 2025-04-13. Review status: criteria provided, single submitter. Criteria: Invitae Variant Classification Sherloc (09022015). Collection method: clinical testing. Allele origin: germline.
Comment: This sequence change replaces alanine, which is neutral and non-polar, with proline, which is neutral and non-polar, at codon 112 of the TRIM2 protein (p.Ala112Pro). This variant is present in population databases (rs774018426, gnomAD 0.0009%). This variant has not been reported in the literature in individuals affected with TRIM2-related conditions. ClinVar contains an entry for this variant (Variation ID: 854691). An algorithm developed to predict the effect of missense changes on protein structure and function (PolyPhen-2) suggests that this variant is likely to be tolerated. In summary, the available evidence is currently insufficient to determine the role of this variant in disease. Therefore, it has been classified as a Variant of Uncertain Significance.

NM_015271.5(TRIM2):c.415G>C (p.Ala139Pro)

Gene: TRIM2 (tripartite motif containing 2; plus strand). Cytogenetic location: 4q31.3.
Variant type: single nucleotide variant.
Coding change: c.415G>C on transcript NM_015271.5 (MANE Select); coding-DNA position 415, G replaced by C.
Protein change: p.Ala139Pro; replaces alanine 139 with proline.
Molecular consequence: missense variant. On other transcripts: 5 prime UTR variant (1).
Genome position (GRCh38, 1-based): chr4:153,276,092, G>C. VCF-style: chr4-153276092-G-C. GRCh37 (hg19) VCF-style: chr4-154197244-G-C.
Other names: c.334G>C, p.Ala112Pro (NM_001130067.2, NM_001351056.2, NM_001375512.1 and 5 more transcripts); c.415G>C, p.Ala139Pro (NM_001302692.2, NM_001375488.1, NM_001375490.1 and 1 more transcripts); c.412G>C, p.Ala138Pro (NM_001302693.2, NM_001375489.1, NM_001375491.1 and 1 more transcripts); c.388G>C, p.Ala130Pro (NM_001302694.2, NM_001351054.2); c.385G>C, p.Ala129Pro (NM_001351055.2); c.-143G>C (NM_001351057.2); c.76G>C, p.Ala26Pro (NM_001375522.1, NM_001375523.1, NM_001375525.1); short protein forms A129P, A138P, A130P, A26P, A139P, A112P.
Identifiers: ClinVar variation 854691 (VCV000854691.9), dbSNP rs774018426, ClinGen allele CA3108522.